The following is an entry in ClinVar:

ClinVar aggregate classification (germline): Uncertain significance. Review status: criteria provided, multiple submitters, no conflicts (2 of 4 stars). 2 submissions from 2 submitters: Uncertain significance (2). Last evaluated 2026-04-28.

Conditions:
Hereditary cancer-predisposing syndrome. Also called: Tumor predisposition; Neoplastic Syndromes, Hereditary; Hereditary neoplastic syndrome; Hereditary Cancer Syndrome. Identifiers: Orphanet 140162, MedGen C0027672, MeSH D009386, MONDO:0015356.

Allele frequency attached by ClinVar (database versions not stated): gnomAD exomes below 0.00001.
gnomAD v4.1: 1 of 1,602,404 alleles (0.000062%); highest among the groups gnomAD compares: Non-Finnish European, 0.000085%; no homozygotes.

Submissions (2):

Ambry Genetics
Classification: Uncertain significance for Hereditary cancer-predisposing syndrome. Last evaluated: 2026-04-28. Review status: criteria provided, single submitter. Criteria: Ambry Variant Classification Scheme 2023. Collection method: clinical testing. Allele origin: germline.
Comment: The p.G311V variant (also known as c.932G>T), located in coding exon 6 of the NTHL1 gene, results from a G to T substitution at nucleotide position 932. The glycine at codon 311 is replaced by valine, an amino acid with dissimilar properties. This amino acid position is conserved. In addition, this alteration is predicted to be tolerated by in silico analysis. Based on the available evidence, the clinical significance of this variant remains unclear.

Labcorp Genetics (formerly Invitae), Labcorp
Classification: Uncertain significance. Last evaluated: 2022-04-08. Review status: criteria provided, single submitter. Criteria: Invitae Variant Classification Sherloc (09022015). Collection method: clinical testing. Allele origin: germline.
Comment: In summary, the available evidence is currently insufficient to determine the role of this variant in disease. Therefore, it has been classified as a Variant of Uncertain Significance. Algorithms developed to predict the effect of missense changes on protein structure and function are either unavailable or do not agree on the potential impact of this missense change (SIFT: "Not Available"; PolyPhen-2: "Benign"; Align-GVGD: "Not Available"). ClinVar contains an entry for this variant (Variation ID: 845921). This variant has not been reported in the literature in individuals affected with NTHL1-related conditions. This variant is not present in population databases (gnomAD no frequency). This sequence change replaces glycine, which is neutral and non-polar, with valine, which is neutral and non-polar, at codon 311 of the NTHL1 protein (p.Gly311Val).

NM_002528.7(NTHL1):c.908G>T (p.Gly303Val)

Gene: NTHL1 (nth like DNA glycosylase 1; minus strand). Cytogenetic location: 16p13.3.
Variant type: single nucleotide variant.
Coding change: c.908G>T on transcript NM_002528.7 (MANE Select); coding-DNA position 908, G replaced by T.
Protein change: p.Gly303Val; replaces glycine 303 with valine.
Molecular consequence: missense variant.
Genome position (GRCh38, 1-based): chr16:2,039,931, C>A on the plus strand (G>T on the coding strand, the complement: NTHL1 is on the minus strand). VCF-style: chr16-2039931-C-A. GRCh37 (hg19) VCF-style: chr16-2089932-C-A.
Other names: c.932G>T (NM_002528.5); c.737G>T, p.Gly246Val (NM_001318193.2); c.578G>T, p.Gly193Val (NM_001318194.2); short protein forms G193V, G246V, G303V.
Identifiers: ClinVar variation 845921 (VCV000845921.10), dbSNP rs2084235801, ClinGen allele CA394286946.